The following is an entry in ClinVar:

NM_144991.3(TSPEAR):c.1185G>T (p.Glu395Asp)

Gene: TSPEAR (thrombospondin type laminin G domain and EAR repeats; minus strand). Cytogenetic location: 21q22.3.
Variant type: single nucleotide variant.
Coding change: c.1185G>T on transcript NM_144991.3 (MANE Select); coding-DNA position 1185, G replaced by T.
Protein change: p.Glu395Asp; replaces glutamic acid 395 with aspartic acid.
Molecular consequence: missense variant.
Genome position (GRCh38, 1-based): chr21:44,525,804, C>A on the plus strand (G>T on the coding strand, the complement: TSPEAR is on the minus strand). VCF-style: chr21-44525804-C-A. GRCh37 (hg19) VCF-style: chr21-45945687-C-A.
Other names: c.981G>T, p.Glu327Asp (NM_001272037.2); short protein forms E395D, E327D.
Identifiers: ClinVar variation 504871 (VCV000504871.12), dbSNP rs143303485, ClinGen allele CA10056672.
Genomic context (GRCh38, chr21:44,525,804, plus strand): 5'-TGGGGTAAACTTCAGCTTTCTGTGGCTCCATTTGTAAATGACAGAGAACTCCTGACCCTT[C>A]TCATCTGGTTCAAAATTAGCCACTGCCAGGAAGATCTGAAAGAGAGTAAACCGGGACCAC-3'
Protein context (NP_659428.2, residues 385-405): FLAVANFEPD[Glu395Asp]KGQEFSVIYK

ClinVar aggregate classification (germline): Uncertain significance. Review status: criteria provided, multiple submitters, no conflicts (2 of 4 stars). 3 submissions from 3 submitters: Uncertain significance (3). Last evaluated 2026-01-23.

Allele frequency attached by ClinVar (database versions not stated): gnomAD 0.00021 and 0.00024; gnomAD exomes 0.00002 and 0.00006; 1000 Genomes Project 0.00020; TOPMed 0.00020; ESP Exome Variant Server 0.00023; ExAC 0.00007; 1000 Genomes Project 30x 0.00031.
gnomAD v4.1: 66 of 1,614,098 alleles (0.0041%); highest among the groups gnomAD compares: African/African-American, 0.077%; no homozygotes.

Submissions (3):

GeneDx
Classification: Uncertain significance. Last evaluated: 2026-01-23. Review status: criteria provided, single submitter. Criteria: GeneDx Variant Classification Process June 2021. Collection method: clinical testing. Allele origin: germline. Affected: yes.
Comment: Reported in a patient with suspected Pendred syndrome in published literature (Nonose et al., 2018); In silico analysis suggests that this missense variant does not alter protein structure/function; This variant is associated with the following publications: (PMID: 29739340)

Labcorp Genetics (formerly Invitae), Labcorp
Classification: Uncertain significance. Last evaluated: 2022-07-19. Review status: criteria provided, single submitter. Criteria: Invitae Variant Classification Sherloc (09022015). Collection method: clinical testing. Allele origin: germline.
Comment: In summary, the available evidence is currently insufficient to determine the role of this variant in disease. Therefore, it has been classified as a Variant of Uncertain Significance. Algorithms developed to predict the effect of missense changes on protein structure and function output the following: SIFT: "Tolerated"; PolyPhen-2: "Benign"; Align-GVGD: "Class C0". The aspartic acid amino acid residue is found in multiple mammalian species, which suggests that this missense change does not adversely affect protein function. ClinVar contains an entry for this variant (Variation ID: 504871). This sequence change replaces glutamic acid, which is acidic and polar, with aspartic acid, which is acidic and polar, at codon 395 of the TSPEAR protein (p.Glu395Asp). This variant is present in population databases (rs143303485, gnomAD 0.08%). This variant has not been reported in the literature in individuals affected with TSPEAR-related conditions.

Laboratory for Molecular Medicine, Mass General Brigham Personalized Medicine
Classification: Uncertain significance. Last evaluated: 2017-05-09. Review status: criteria provided, single submitter. Criteria: LMM Criteria. Collection method: clinical testing. Allele origin: germline. Observed: 1 variant allele.
Comment: Variant classified as Uncertain Significance - Favor Benign. The p.Glu395Asp var iant in TSPEAR has not been previously reported in individuals with hearing loss , but was identified in 0.1% (19/24032) of African chromosomes by the Genome Agg regation Database (gnomAD; dbSNP rs143303485). Although this variant has been seen in the general population, its frequency is not high enough to rule out a pathogenic role. Glutamic acid (Glu) at position 395 is not conserved in mammals or evolutionarily distant species and >10 specie s carry a aspartic acid (Asp) at this position, raising the possibility that thi s change may be tolerated. Additional computational prediction tools support tha t the variant may not impact the protein, though this information is not predict ive enough to rule out pathogenicity. In summary, while the clinical significanc e of the p.Glu395Asp variant is uncertain, these data suggest that it is more li kely to be benign.